The following is an entry in ClinVar:

NM_017612.5(ZCCHC8):c.1604A>G (p.Glu535Gly)

Gene: ZCCHC8 (zinc finger CCHC-type containing 8; minus strand). Cytogenetic location: 12q24.31.
Variant type: single nucleotide variant.
Coding change: c.1604A>G on transcript NM_017612.5 (MANE Select); coding-DNA position 1604, A replaced by G.
Protein change: p.Glu535Gly; replaces glutamic acid 535 with glycine.
Molecular consequence: missense variant.
Genome position (GRCh38, 1-based): chr12:122,474,017, T>C on the plus strand (A>G on the coding strand, the complement: ZCCHC8 is on the minus strand). VCF-style: chr12-122474017-T-C. GRCh37 (hg19) VCF-style: chr12-122958564-T-C.
Other names: c.1373A>G, p.Glu458Gly (NM_001350935.2); c.1307A>G, p.Glu436Gly (NM_001350936.2); c.890A>G, p.Glu297Gly (NM_001350937.2, NM_001350938.2); c.1604A>G (NM_017612.3, NM_017612.4); short protein forms E297G, E535G, E436G, E458G.
Identifiers: ClinVar variation 1430304 (VCV001430304.9), dbSNP rs767978813, ClinGen allele CA6846131.

ClinVar aggregate classification (germline): Uncertain significance. Review status: criteria provided, multiple submitters, no conflicts (2 of 4 stars). 3 submissions from 3 submitters: Uncertain significance (3). Last evaluated 2025-10-29.

Conditions:
ZCCHC8-related disorder. Also called: ZCCHC8-related condition.

Allele frequency attached by ClinVar (database versions not stated): ExAC 0.00002; TOPMed 0.00002; gnomAD 0.00003 and 0.00004; gnomAD exomes 0.00003 and 0.00006.
gnomAD v4.1: 81 of 1,553,644 alleles (0.0052%); highest among the groups gnomAD compares: Non-Finnish European, 0.0069%; no homozygotes.

Submissions (3):

Labcorp Genetics (formerly Invitae), Labcorp
Classification: Uncertain significance. Last evaluated: 2025-10-29. Review status: criteria provided, single submitter. Criteria: Invitae Variant Classification Sherloc (09022015). Collection method: clinical testing. Allele origin: germline.
Comment: This sequence change replaces glutamic acid, which is acidic and polar, with glycine, which is neutral and non-polar, at codon 535 of the ZCCHC8 protein (p.Glu535Gly). This variant is present in population databases (rs767978813, gnomAD 0.006%). This variant has not been reported in the literature in individuals affected with ZCCHC8-related conditions. ClinVar contains an entry for this variant (Variation ID: 1430304). Invitae Evidence Modeling of protein sequence and biophysical properties (such as structural, functional, and spatial information, amino acid conservation, physicochemical variation, residue mobility, and thermodynamic stability) indicates that this missense variant is not expected to disrupt ZCCHC8 protein function with a negative predictive value of 80%. In summary, the available evidence is currently insufficient to determine the role of this variant in disease. Therefore, it has been classified as a Variant of Uncertain Significance.

PreventionGenetics, part of Exact Sciences
Classification: Uncertain significance for ZCCHC8-related condition. Last evaluated: 2025-05-10. Review status: criteria provided, single submitter. Criteria: ACMG Guidelines, 2015. Collection method: clinical testing. Allele origin: germline.
Comment: The ZCCHC8 c.1604A>G variant is predicted to result in the amino acid substitution p.Glu535Gly. To our knowledge, this variant has not been reported in the literature. This variant is reported in 0.0055% of alleles in individuals of European (Non-Finnish) descent in gnomAD. At this time, the clinical significance of this variant is uncertain due to the absence of conclusive functional and genetic evidence.

Ambry Genetics
Classification: Uncertain significance. Last evaluated: 2025-04-29. Review status: criteria provided, single submitter. Criteria: Ambry Variant Classification Scheme 2023. Collection method: clinical testing. Allele origin: germline.